The following is an entry in ClinVar:

ClinVar aggregate classification (germline): Conflicting classifications of pathogenicity. Review status: criteria provided, conflicting classifications (1 of 4 stars). 7 submissions from 7 submitters: Uncertain significance (6); Likely benign (1). Last evaluated 2025-11-13.

Conditions:
Familial thoracic aortic aneurysm and aortic dissection (TAAD). Also called: Thoracic aortic aneurysms and dissections. Identifiers: Orphanet 91387, MedGen C4707243, MONDO:0019625.
Frontometaphyseal dysplasia (FMD1). Identifiers: Orphanet 1826, MedGen C0265293, MONDO:0015942.
Melnick-Needles syndrome (MNS). Also called: Melnick-Needles Syndrome (FLNA-MNS); OSTEODYSPLASTY OF MELNICK AND NEEDLES; MELNICK-NEEDLES OSTEODYSPLASTY. Identifiers: Orphanet 2484, MedGen C0025237, MONDO:0010650, OMIM 309350.
Oto-palato-digital syndrome, type II (OPD2). Also called: Otopalatodigital Syndrome Type 2 (FLNA-OPD2); Otopalatodigital Syndrome, Type II; OPD II SYNDROME; FACIOPALATOOSSEOUS SYNDROME. Identifiers: Orphanet 669, Orphanet 90652, MedGen C1844696, MONDO:0010571, OMIM 304120.
Heterotopia, periventricular, X-linked dominant (PVNH1). Also called: PERIVENTRICULAR NODULAR HETEROTOPIA 4; HETEROTOPIA, PERIVENTRICULAR, 1; PERIVENTRICULAR NODULAR HETEROTOPIA 1; X-linked periventricular heterotopia. Identifiers: Orphanet 2149, Orphanet 82004, MedGen C1848213, MONDO:0010233, OMIM 300049.

Allele frequency attached by ClinVar (database versions not stated): ExAC 0.00004; gnomAD 0.00005 and 0.00006; gnomAD exomes 0.00005 and 0.00012; TOPMed 0.00005.
gnomAD v4.1: 131 of 1,209,602 alleles (0.011%); highest among the groups gnomAD compares: Non-Finnish European, 0.014%; no homozygotes.

Submissions (7):

Labcorp Genetics (formerly Invitae), Labcorp
Classification: Likely benign for Oto-palato-digital syndrome, type II; Heterotopia, periventricular, X-linked dominant; Frontometaphyseal dysplasia; Melnick-Needles syndrome. Last evaluated: 2025-11-13. Review status: criteria provided, single submitter. Criteria: Invitae Variant Classification Sherloc (09022015). Collection method: clinical testing. Allele origin: germline.

Ambry Genetics
Classification: Uncertain significance for Familial thoracic aortic aneurysm and aortic dissection. Last evaluated: 2025-07-24. Review status: criteria provided, single submitter. Criteria: Ambry Variant Classification Scheme 2023. Collection method: clinical testing. Allele origin: germline.
Comment: The p.G1896S variant (also known as c.5686G>A), located in coding exon 34 of the FLNA gene, results from a G to A substitution at nucleotide position 5686. The glycine at codon 1896 is replaced by serine, an amino acid with similar properties. Based on data from gnomAD, the A allele has an overall frequency of 0.0045% (8/177525) total alleles studied, with 2 hemizygote(s) observed. The highest observed frequency was 0.0102% (8/78788) of European (non-Finnish) alleles. This amino acid position is highly conserved in available vertebrate species. In addition, this alteration is predicted to be deleterious by in silico analysis. Based on the available evidence, the clinical significance of this variant remains unclear.

GeneDx
Classification: Uncertain significance. Last evaluated: 2023-08-23. Review status: criteria provided, single submitter. Criteria: GeneDx Variant Classification Process June 2021. Collection method: clinical testing. Allele origin: germline. Affected: yes.
Comment: In silico analysis supports that this missense variant has a deleterious effect on protein structure/function; Has not been previously published as pathogenic or benign to our knowledge

CeGaT Center for Human Genetics Tuebingen
Classification: Uncertain significance. Last evaluated: 2021-11-01. Review status: criteria provided, single submitter. Criteria: CeGaT Center For Human Genetics Tuebingen Variant Classification Criteria Version 2. Collection method: clinical testing. Allele origin: germline. Affected: yes. Observed: 1 variant allele.

Mayo Clinic Laboratories, Mayo Clinic
Classification: Uncertain significance. Last evaluated: 2020-06-19. Review status: criteria provided, single submitter. Criteria: ACMG Guidelines, 2015. Collection method: clinical testing. Allele origin: germline. Observed: 1 variant allele.

Stanford Center for Inherited Cardiovascular Disease, Stanford University
Classification: Uncertain significance. Last evaluated: 2016-12-21. Review status: criteria provided, single submitter. Criteria: ACMG Guidelines, 2015. Collection method: provider interpretation. Allele origin: germline.

Genetic Services Laboratory, University of Chicago
Classification: Uncertain significance. Last evaluated: 2016-06-02. Review status: criteria provided, single submitter. Criteria: ACMG Guidelines, 2015. Collection method: clinical testing. Allele origin: germline. Affected: no.

NM_001110556.2(FLNA):c.5710G>A (p.Gly1904Ser)

Gene: FLNA (filamin A; minus strand). Cytogenetic location: Xq28.
Variant type: single nucleotide variant.
Coding change: c.5710G>A on transcript NM_001110556.2 (MANE Select); coding-DNA position 5710, G replaced by A.
Protein change: p.Gly1904Ser; replaces glycine 1904 with serine.
Molecular consequence: missense variant.
Genome position (GRCh38, 1-based): chrX:154,353,704, C>T on the plus strand (G>A on the coding strand, the complement: FLNA is on the minus strand). VCF-style: chrX-154353704-C-T. GRCh37 (hg19) VCF-style: chrX-153582072-C-T.
Other names: c.5686G>A, p.Gly1896Ser (NM_001456.4); short protein forms G1896S, G1904S.
Identifiers: ClinVar variation 405442 (VCV000405442.54), dbSNP rs782549964, ClinGen allele CA10560238.